The following is an entry in ClinVar:

NM_001029883.3(PCARE):c.366T>C (p.His122=)

Gene: PCARE (photoreceptor cilium actin regulator; minus strand). Cytogenetic location: 2p23.2.
Variant type: single nucleotide variant.
Coding change: c.366T>C on transcript NM_001029883.3 (MANE Select); coding-DNA position 366, T replaced by C.
Protein change: p.His122=; no amino-acid change (histidine 122 retained).
Molecular consequence: synonymous variant.
Genome position (GRCh38, 1-based): chr2:29,073,896, A>G on the plus strand (T>C on the coding strand, the complement: PCARE is on the minus strand). VCF-style: chr2-29073896-A-G. GRCh37 (hg19) VCF-style: chr2-29296762-A-G.
Identifiers: ClinVar variation 780345 (VCV000780345.15), dbSNP rs17007546, ClinGen allele CA1592665.

ClinVar aggregate classification (germline): Benign/Likely benign. Review status: criteria provided, multiple submitters, no conflicts (2 of 4 stars). 3 submissions from 3 submitters: Benign (1); Likely benign (2). Last evaluated 2026-02-01.

Conditions:
Retinitis pigmentosa (RP). Identifiers: Orphanet 791, MedGen C0035334, MeSH D012174, MONDO:0019200, OMIM 268000. Inheritance: Autosomal dominant, autosomal recessive and X linked inheritance.

Allele frequency attached by ClinVar (database versions not stated): gnomAD exomes 0.00097 and 0.00237; ExAC 0.00302; 1000 Genomes Project 0.00919; 1000 Genomes Project 30x 0.00921; gnomAD 0.00969 and 0.01047; ESP Exome Variant Server 0.01008; TOPMed 0.01113.

Submissions (3):

Labcorp Genetics (formerly Invitae), Labcorp
Classification: Benign. Last evaluated: 2026-02-01. Review status: criteria provided, single submitter. Criteria: Invitae Variant Classification Sherloc (09022015). Collection method: clinical testing. Allele origin: germline.

Illumina Laboratory Services, Illumina
Classification: Likely benign for Retinitis pigmentosa. Last evaluated: 2018-01-13. Review status: criteria provided, single submitter. Criteria: ICSL Variant Classification Criteria 13 December 2019. Collection method: clinical testing. Allele origin: germline.
Comment: This variant was observed in the ICSL laboratory as part of a predisposition screen in an ostensibly healthy population. It had not been previously curated by ICSL or reported in the Human Gene Mutation Database (HGMD: prior to June 1st, 2018), and was therefore a candidate for classification through an automated scoring system. Utilizing variant allele frequency, disease prevalence and penetrance estimates, and inheritance mode, an automated score was calculated to assess if this variant is too frequent to cause the disease. Based on the score and internal cut-off values, a variant classified as likely benign is not then subjected to further curation. The score for this variant resulted in a classification of likely benign for this disease.

Breakthrough Genomics
Classification: Likely benign. Review status: criteria provided, single submitter. Criteria: ACMG Guidelines, 2015. Collection method: not provided. Allele origin: germline. Inheritance: Unknown mechanism. Affected: yes.